The following is an entry in ClinVar:

NM_001130438.3(SPTAN1):c.7256G>T (p.Arg2419Leu)

Gene: SPTAN1 (spectrin alpha, non-erythrocytic 1; plus strand). Cytogenetic location: 9q34.11.
Variant type: single nucleotide variant.
Coding change: c.7256G>T on transcript NM_001130438.3 (MANE Select); coding-DNA position 7256, G replaced by T.
Protein change: p.Arg2419Leu; replaces arginine 2419 with leucine.
Molecular consequence: missense variant.
Genome position (GRCh38, 1-based): chr9:128,632,903, G>T. VCF-style: chr9-128632903-G-T. GRCh37 (hg19) VCF-style: chr9-131395182-G-T.
Other names: c.7181G>T, p.Arg2394Leu (NM_001195532.2); c.7319G>T, p.Arg2440Leu (NM_001363759.2); c.7196G>T, p.Arg2399Leu (NM_001363765.2, NM_001375314.2); c.7343G>T, p.Arg2448Leu (NM_001375310.1); c.7256G>T, p.Arg2419Leu (NM_001375311.2); c.7292G>T, p.Arg2431Leu (NM_001375312.2); c.7238G>T, p.Arg2413Leu (NM_001375313.1); c.7355G>T, p.Arg2452Leu (NM_001375318.1); and 1 more; short protein forms R2414L, R2440L, R2399L, R2419L, R2431L, R2394L, R2413L, R2448L.
Identifiers: ClinVar variation 1432790 (VCV001432790.7), dbSNP rs772995493, ClinGen allele CA375102595.

ClinVar aggregate classification (germline): Uncertain significance (1 of 4 stars; one submission).

Conditions:
Early-infantile DEE. Also called: Ohtahara syndrome; Early infantile epileptic encephalopathy with suppression bursts; Early infantile epileptic encephalopathy. Identifiers: Orphanet 1934, MedGen C0393706, MONDO:0800491.

Submission:

Labcorp Genetics (formerly Invitae), Labcorp
Classification: Uncertain significance for Early-infantile DEE. Last evaluated: 2023-07-17. Review status: criteria provided, single submitter. Criteria: Invitae Variant Classification Sherloc (09022015). Collection method: clinical testing. Allele origin: germline.
Comment: This sequence change replaces arginine, which is basic and polar, with leucine, which is neutral and non-polar, at codon 2419 of the SPTAN1 protein (p.Arg2419Leu). In summary, the available evidence is currently insufficient to determine the role of this variant in disease. Therefore, it has been classified as a Variant of Uncertain Significance. Advanced modeling of protein sequence and biophysical properties (such as structural, functional, and spatial information, amino acid conservation, physicochemical variation, residue mobility, and thermodynamic stability) has been performed at Invitae for this missense variant, however the output from this modeling did not meet the statistical confidence thresholds required to predict the impact of this variant on SPTAN1 protein function. ClinVar contains an entry for this variant (Variation ID: 1432790). This variant has not been reported in the literature in individuals affected with SPTAN1-related conditions. This variant is not present in population databases (gnomAD no frequency).